The following is an entry in ClinVar:

ClinVar aggregate classification (germline): Uncertain significance (1 of 4 stars; one submission).

Conditions:
Familial sleep-related hypermotor epilepsy. Also called: Autosomal Dominant Sleep-Related Hypermotor (Hyperkinetic) Epilepsy. Identifiers: Orphanet 98784, MedGen C3696898, MONDO:0000030.

Submission:

Labcorp Genetics (formerly Invitae), Labcorp
Classification: Uncertain significance. Last evaluated: 2024-02-13. Review status: criteria provided, single submitter. Criteria: Invitae Variant Classification Sherloc (09022015). Collection method: clinical testing. Allele origin: germline.
Comment: This sequence change falls in intron 5 of the CHRNA4 gene. It does not directly change the encoded amino acid sequence of the CHRNA4 protein. Information on the frequency of this variant in the gnomAD database is not available, as this variant may be reported differently in the database. This variant has not been reported in the literature in individuals affected with CHRNA4-related conditions. Experimental studies and prediction algorithms are not available or were not evaluated, and the effect of this variant on mRNA splicing is currently unknown. In summary, the available evidence is currently insufficient to determine the role of this variant in disease. Therefore, it has been classified as a Variant of Uncertain Significance.

NM_000744.7(CHRNA4):c.1758+13_1758+14inv

Gene: CHRNA4 (cholinergic receptor nicotinic alpha 4 subunit; minus strand). Cytogenetic location: 20q13.33.
Variant type: Inversion.
Coding change: c.1758+13_1758+14inv on transcript NM_000744.7 (MANE Select).
Molecular consequence: intron variant.
Genome position: GRCh38 VCF-style: chr20-63349639-TG-CA. GRCh37 (hg19) VCF-style: chr20-61980991-TG-CA.
Other names: c.1230+13_1230+14inv (NM_001256573.2).
Identifiers: ClinVar variation 3701313 (VCV003701313.2).